The following is an entry in ClinVar:

NM_000135.4(FANCA):c.426+1G>A

Gene: FANCA (FA complementation group A; minus strand). Cytogenetic location: 16q24.3.
Variant type: single nucleotide variant.
Coding change: c.426+1G>A on transcript NM_000135.4 (MANE Select); the canonical splice donor site of the intron after coding-DNA position 426, G replaced by A.
Molecular consequence: splice donor variant.
Genome position (GRCh38, 1-based): chr16:89,810,928, C>T on the plus strand (G>A on the coding strand, the complement: FANCA is on the minus strand). VCF-style: chr16-89810928-C-T. GRCh37 (hg19) VCF-style: chr16-89877336-C-T.
Other names: c.426+1G>A (NM_001286167.3, NM_001351830.2, NM_001018112.3 and 1 more transcripts).
Identifiers: ClinVar variation 1068013 (VCV001068013.18), dbSNP rs1343463467, ClinGen allele CA397480851.

ClinVar aggregate classification (germline): Pathogenic/Likely pathogenic. Review status: criteria provided, multiple submitters, no conflicts (2 of 4 stars). 5 submissions from 5 submitters: Pathogenic (4); Likely pathogenic (1). Last evaluated 2025-05-28.

Conditions:
Fanconi anemia complementation group A (FANCA). Also called: FANCA-Related Fanconi Anemia; Fanconi anemia, group A. Identifiers: Orphanet 84, MedGen C3469521, MONDO:0009215, OMIM 227650.
FANCA-related disorder. Also called: FANCA-related condition.
Fanconi anemia (FA). Also called: Fanconi's anemia. Identifiers: Orphanet 84, MedGen C0015625, MeSH D005199, MONDO:0019391.

Allele frequency attached by ClinVar (database versions not stated): gnomAD exomes below 0.00001.
gnomAD v4.1: 3 of 1,614,180 alleles (0.00019%); highest among the groups gnomAD compares: East Asian, 0.0022%; no homozygotes.

Submissions (5):

Labcorp Genetics (formerly Invitae), Labcorp
Classification: Likely pathogenic for Fanconi anemia. Last evaluated: 2025-05-28. Review status: criteria provided, single submitter. Criteria: Invitae Variant Classification Sherloc (09022015). Collection method: clinical testing. Allele origin: germline.
Comment: This sequence change affects a donor splice site in intron 4 of the FANCA gene. It is expected to disrupt RNA splicing. Variants that disrupt the donor or acceptor splice site typically lead to a loss of protein function (PMID: 16199547), and loss-of-function variants in FANCA are known to be pathogenic (PMID: 19367192). This variant is present in population databases (no rsID available, gnomAD 0.006%). Disruption of this splice site has been observed in individual(s) with clinical features of Fanconi anemia (PMID: 29098742). ClinVar contains an entry for this variant (Variation ID: 1068013). Algorithms developed to predict the effect of sequence changes on RNA splicing suggest that this variant may disrupt the consensus splice site. In summary, the currently available evidence indicates that the variant is pathogenic, but additional data are needed to prove that conclusively. Therefore, this variant has been classified as Likely Pathogenic.

PreventionGenetics, part of Exact Sciences
Classification: Pathogenic for FANCA-related condition. Last evaluated: 2025-05-01. Review status: criteria provided, single submitter. Criteria: ACMG Guidelines, 2015. Collection method: clinical testing. Allele origin: germline.
Comment: The FANCA c.426+1G>A variant is predicted to disrupt the GT donor site and interfere with normal splicing. This variant has been reported in two individuals with Fanconi anemia who also had another pathogenic FANCA deletion (Families 70 and 118 in Table S2, Kimble et al 2018. PubMed ID: 29098742). This variant is reported in 0.0054% of alleles in individuals of East Asian descent in gnomAD and is interpreted as pathogenic/likely pathogenic in ClinVar. Variants that disrupt the consensus splice donor site in FANCA are expected to be pathogenic. This variant is interpreted as pathogenic.

Natera, Inc.
Classification: Pathogenic for Fanconi anemia. Last evaluated: 2024-10-15. Review status: criteria provided, single submitter. Criteria: Natera Variant Classification Schema (03/2026). Collection method: clinical testing. Allele origin: germline.
Comment: The c.426+1G>A variant in FANCA is a canonical splice donor site variant predicted to affect pre-mRNA splicing, which may result in an abnormal transcript and altered protein product. This variant is expected to result in nonsense mediated decay, truncation, or a dysfunctional protein product. This variant is rare in the general population with a frequency below the threshold expected for the associated phenotype(s). This variant has been observed in one or more individuals affected with the associated recessive disease, as either homozygous or compound heterozygous with a second variant (PMID: 29098742). Given the available evidence, this variant is classified as Pathogenic.

Baylor Genetics
Classification: Pathogenic for Fanconi anemia complementation group A. Last evaluated: 2023-11-06. Review status: criteria provided, single submitter. Criteria: ACMG Guidelines, 2015. Collection method: clinical testing. Allele origin: unknown.

Revvity Omics, Revvity
Classification: Pathogenic for Fanconi anemia complementation group A. Last evaluated: 2019-07-12. Review status: criteria provided, single submitter. Criteria: ACMG Guidelines, 2015. Collection method: clinical testing. Allele origin: germline.

Literature cited by the submitters: PubMed 16199547 (cited by Labcorp Genetics (formerly Invitae), Labcorp); PubMed 19367192 (cited by Labcorp Genetics (formerly Invitae), Labcorp); PubMed 29098742 (cited by Labcorp Genetics (formerly Invitae), Labcorp and Natera, Inc.).